The following is an entry in ClinVar:

ClinVar aggregate classification (germline): Conflicting classifications of pathogenicity. Review status: criteria provided, conflicting classifications (1 of 4 stars). 4 submissions from 4 submitters: Uncertain significance (1); Likely benign (3). Last evaluated 2025-05-27.

Conditions:
Bethlem myopathy 1A. Also called: MYOPATHY, BENIGN CONGENITAL, WITH CONTRACTURES; Bethlem myopathy 1; Bethlem Muscular Dystrophy. Identifiers: Orphanet 610, MedGen CN029274, MONDO:0024530, OMIM 158810.
Inborn genetic diseases. Identifiers: MedGen C0950123, MeSH D030342.

Allele frequency attached by ClinVar (database versions not stated): ExAC 0.00005; gnomAD 0.00011; 1000 Genomes Project 0.00020; TOPMed 0.00020; 1000 Genomes Project 30x 0.00047.
gnomAD v4.1: 62 of 1,552,468 alleles (0.004%); highest among the groups gnomAD compares: African/African-American, 0.033%; no homozygotes.

Submissions (4):

Labcorp Genetics (formerly Invitae), Labcorp
Classification: Likely benign for Bethlem myopathy 1A. Last evaluated: 2025-05-27. Review status: criteria provided, single submitter. Criteria: Invitae Variant Classification Sherloc (09022015). Collection method: clinical testing. Allele origin: germline.

CeGaT Center for Human Genetics Tuebingen
Classification: Likely benign. Last evaluated: 2025-04-01. Review status: criteria provided, single submitter. Criteria: CeGaT Center For Human Genetics Tuebingen Variant Classification Criteria Version 2. Collection method: clinical testing. Allele origin: germline. Affected: yes. Observed: 1 variant allele.
Comment: COL6A1: BP4, BP7

Ambry Genetics
Classification: Likely benign for Inborn genetic diseases. Last evaluated: 2025-02-19. Review status: criteria provided, single submitter. Criteria: Ambry Variant Classification Scheme 2023. Collection method: clinical testing. Allele origin: germline.

Eurofins Ntd Llc (ga)
Classification: Uncertain significance. Last evaluated: 2018-05-25. Review status: criteria provided, single submitter. Criteria: EGL ClinVar v180209 classification definitions. Collection method: clinical testing. Allele origin: germline. Observed: 1 variant allele, 1 heterozygote.

NM_001848.3(COL6A1):c.624G>A (p.Thr208=)

Gene: COL6A1 (collagen type VI alpha 1 chain; plus strand). Cytogenetic location: 21q22.3.
Variant type: single nucleotide variant.
Coding change: c.624G>A on transcript NM_001848.3 (MANE Select); coding-DNA position 624, G replaced by A.
Protein change: p.Thr208=; no amino-acid change (threonine 208 retained).
Molecular consequence: synonymous variant.
Genome position (GRCh38, 1-based): chr21:45,986,979, G>A. VCF-style: chr21-45986979-G-A. GRCh37 (hg19) VCF-style: chr21-47406893-G-A.
Identifiers: ClinVar variation 543015 (VCV000543015.23), dbSNP rs573282005, ClinGen allele CA10069637.